The following is an entry in ClinVar:

NM_001363711.2(DUOX2):c.2213_2214del (p.Val738fs)

Gene: DUOX2 (dual oxidase 2; minus strand). Cytogenetic location: 15q21.1.
Variant type: Deletion.
Coding change: c.2213_2214del on transcript NM_001363711.2 (MANE Select); coding-DNA positions 2213 to 2214, 2 bases deleted (TG; older notation c.2213_2214delTG).
Protein change: p.Val738fs; shifts the reading frame from valine 738.
Molecular consequence: frameshift variant.
Genome position (GRCh38, 1-based): chr15:45,105,763-45,105,764, CA deleted on the plus strand (TG on the coding strand, the reverse complement: DUOX2 is on the minus strand); deleting any 2 consecutive bases within chr15:45,105,763-45,105,765 gives the same sequence; the c. name uses the placement nearest the transcript's 3' end. VCF-style (leftmost placement, unchanged base first): chr15-45105762-GCA-G. GRCh37 (hg19) VCF-style: chr15-45397960-GCA-G.
Other names: c.2213_2214del, p.Val738fs (NM_014080.5); short protein forms V738fs.
Identifiers: ClinVar variation 2836987 (VCV002836987.3), dbSNP rs2504764814, ClinGen allele CA2739279344.

ClinVar aggregate classification (germline): Pathogenic (1 of 4 stars; one submission).

Submission:

Labcorp Genetics (formerly Invitae), Labcorp
Classification: Pathogenic. Last evaluated: 2023-02-14. Review status: criteria provided, single submitter. Criteria: Invitae Variant Classification Sherloc (09022015). Collection method: clinical testing. Allele origin: germline.
Comment: This sequence change creates a premature translational stop signal (p.Val738Alafs*10) in the DUOX2 gene. It is expected to result in an absent or disrupted protein product. Loss-of-function variants in DUOX2 are known to be pathogenic (PMID: 12110737, 18765513, 21565790, 24423310, 24735383). This variant is not present in population databases (gnomAD no frequency). This variant has not been reported in the literature in individuals affected with DUOX2-related conditions. For these reasons, this variant has been classified as Pathogenic.

Literature cited by the submitters: PubMed 12110737; PubMed 18765513; PubMed 21565790; PubMed 24423310; PubMed 24735383.